The following is an entry in ClinVar:

ClinVar aggregate classification (germline): Likely pathogenic (1 of 4 stars; one submission).

Submission:

GeneDx
Classification: Likely pathogenic. Last evaluated: 2017-08-31. Review status: criteria provided, single submitter. Criteria: GeneDx Variant Classification (06012015). Collection method: clinical testing. Allele origin: germline. Affected: yes.
Comment: The c.2049_2050delCG likely pathogenic variant in the COL1A1 gene causes a frameshift starting with codon Glutamic acid 684, changes this amino acid to an Alanine residue and creates a premature Stop codon at position 25 of the new reading frame, denoted p.Glu684AlafsX25. This pathogenic variant is predicted to cause loss of normal protein function either through protein truncation or nonsense-mediated mRNA decay. The c.2049_2050delCG variant is not observed in large population cohorts (Lek et al., 2016; 1000 Genomes Consortium et al., 2015; Exome Variant Server). Although this likely pathogenic variant has not been previously reported to our knowledge, its presence is consistent with the diagnosis of osteogenesis imperfecta.

NM_000088.4(COL1A1):c.2049_2050del (p.Glu684fs)

Gene: COL1A1 (collagen type I alpha 1 chain; minus strand). Cytogenetic location: 17q21.33.
Variant type: Deletion.
Coding change: c.2049_2050del on transcript NM_000088.4 (MANE Select); coding-DNA positions 2049 to 2050, 2 bases deleted (CG; older notation c.2049_2050delCG).
Protein change: p.Glu684fs; shifts the reading frame from glutamic acid 684.
Molecular consequence: frameshift variant.
Genome position (GRCh38, 1-based): chr17:50,191,865-50,191,866, CG deleted on the plus strand (CG on the coding strand, the reverse complement: COL1A1 is on the minus strand); deleting any 2 consecutive bases within chr17:50,191,865-50,191,867 gives the same sequence; the c. name uses the placement nearest the transcript's 3' end. VCF-style (leftmost placement, unchanged base first): chr17-50191864-TCG-T. GRCh37 (hg19) VCF-style: chr17-48269225-TCG-T.
Other names: c.2049_2050delCG (NM_000088.3); short protein forms E684fs.
Identifiers: ClinVar variation 451707 (VCV000451707.2), dbSNP rs1555573111, ClinGen allele CA658656708.
Genomic context (GRCh38, chr17:50,191,864, plus strand): 5'-CCGGGAGCACCGTTGGCCCCTCGGGGACCAGCAGGACCAGGGGGACCTTGCACACCACGC[TCG>T]CCAGGGAAACCTCTCTCGCCCTAGAAGGGAAGGACAGGGCATGTGAAGGCTGCTCTGGAG-3'